The following is an entry in ClinVar:

ClinVar aggregate classification (germline): Uncertain significance (1 of 4 stars; one submission).

Conditions:
Desmin-related myofibrillar myopathy (MFM1). Also called: Desminopathy; Desmin related myopathy (former name); Desmin storage myopathy (former name); DESMIN-RELATED MYOPATHY WITH ARRHYTHMOGENIC RIGHT VENTRICULAR CARDIOMYOPATHY; Myofibrillar myopathy 1; MYOFIBRILLAR MYOPATHY WITH ARRHYTHMOGENIC RIGHT VENTRICULAR CARDIOMYOPATHY. Identifiers: Orphanet 363543, Orphanet 98909, MedGen C1832370, MONDO:0011076, OMIM 601419.

Allele frequency attached by ClinVar (database versions not stated): gnomAD exomes 0.00002.
gnomAD v4.1: 5 of 1,614,050 alleles (0.00031%); highest among the groups gnomAD compares: East Asian, 0.0089%; no homozygotes.

Submission:

Labcorp Genetics (formerly Invitae), Labcorp
Classification: Uncertain significance for Desmin-related myofibrillar myopathy. Last evaluated: 2024-01-08. Review status: criteria provided, single submitter. Criteria: Invitae Variant Classification Sherloc (09022015). Collection method: clinical testing. Allele origin: germline.
Comment: This sequence change replaces isoleucine, which is neutral and non-polar, with leucine, which is neutral and non-polar, at codon 367 of the DES protein (p.Ile367Leu). This variant is present in population databases (rs62636494, gnomAD 0.02%). This variant has not been reported in the literature in individuals affected with DES-related conditions. ClinVar contains an entry for this variant (Variation ID: 1006716). Advanced modeling of protein sequence and biophysical properties (such as structural, functional, and spatial information, amino acid conservation, physicochemical variation, residue mobility, and thermodynamic stability) has been performed at Invitae for this missense variant, however the output from this modeling did not meet the statistical confidence thresholds required to predict the impact of this variant on DES protein function. In summary, the available evidence is currently insufficient to determine the role of this variant in disease. Therefore, it has been classified as a Variant of Uncertain Significance.

NM_001927.4(DES):c.1099A>C (p.Ile367Leu)

Gene: DES (desmin; plus strand). Cytogenetic location: 2q35.
Variant type: single nucleotide variant.
Coding change: c.1099A>C on transcript NM_001927.4 (MANE Select); coding-DNA position 1099, A replaced by C.
Protein change: p.Ile367Leu; replaces isoleucine 367 with leucine.
Molecular consequence: missense variant. On other transcripts: intron variant (1).
Genome position (GRCh38, 1-based): chr2:219,421,415, A>C. VCF-style: chr2-219421415-A-C. GRCh37 (hg19) VCF-style: chr2-220286137-A-C.
Other names: c.1096A>C, p.Ile366Leu (NM_001382708.1); c.1030A>C, p.Ile344Leu (NM_001382710.1); c.1078A>C, p.Ile360Leu (NM_001382711.1); c.1099A>C, p.Ile367Leu (NM_001382712.1); c.829A>C, p.Ile277Leu (NM_001382713.1); c.736-69A>C (NM_001382709.1); short protein forms I277L, I344L, I360L, I366L, I367L.
Identifiers: ClinVar variation 1006716 (VCV001006716.3), dbSNP rs62636494, ClinGen allele CA2125239.